The following is an entry in ClinVar:

ClinVar aggregate classification (germline): Uncertain significance. Review status: criteria provided, multiple submitters, no conflicts (2 of 4 stars). 2 submissions from 2 submitters: Uncertain significance (2). Last evaluated 2022-11-27.

Conditions:
Cardiovascular phenotype. Identifiers: MedGen CN230736.
Hypertrophic cardiomyopathy 20. Identifiers: MedGen C3151267, MONDO:0013477, OMIM 613876.
Dilated cardiomyopathy 1CC (CMD1CC). Identifiers: Orphanet 154, MedGen C2751084, MONDO:0013147, OMIM 613122.

Allele frequency attached by ClinVar (database versions not stated): TOPMed 0.00001.

Submissions (2):

Ambry Genetics
Classification: Uncertain significance for Cardiovascular phenotype. Last evaluated: 2022-11-27. Review status: criteria provided, single submitter. Criteria: Ambry Variant Classification Scheme 2023. Collection method: clinical testing. Allele origin: germline.
Comment: The p.P244S variant (also known as c.730C>T), located in coding exon 7 of the NEXN gene, results from a C to T substitution at nucleotide position 730. The proline at codon 244 is replaced by serine, an amino acid with similar properties. This amino acid position is conserved. In addition, the in silico prediction for this alteration is inconclusive. Since supporting evidence is limited at this time, the clinical significance of this alteration remains unclear.

Labcorp Genetics (formerly Invitae), Labcorp
Classification: Uncertain significance for Dilated cardiomyopathy 1CC; Hypertrophic cardiomyopathy 20. Last evaluated: 2022-05-04. Review status: criteria provided, single submitter. Criteria: Invitae Variant Classification Sherloc (09022015). Collection method: clinical testing. Allele origin: germline.
Comment: This sequence change replaces proline, which is neutral and non-polar, with serine, which is neutral and polar, at codon 244 of the NEXN protein (p.Pro244Ser). This variant is not present in population databases (gnomAD no frequency). This variant has not been reported in the literature in individuals affected with NEXN-related conditions. Algorithms developed to predict the effect of missense changes on protein structure and function output the following: SIFT: "Deleterious"; PolyPhen-2: "Benign"; Align-GVGD: "Class C65". The serine amino acid residue is found in multiple mammalian species, which suggests that this missense change does not adversely affect protein function. In summary, the available evidence is currently insufficient to determine the role of this variant in disease. Therefore, it has been classified as a Variant of Uncertain Significance.

NM_144573.4(NEXN):c.730C>T (p.Pro244Ser)

Gene: NEXN (nexilin F-actin binding protein; plus strand). Cytogenetic location: 1p31.1.
Variant type: single nucleotide variant.
Coding change: c.730C>T on transcript NM_144573.4 (MANE Select); coding-DNA position 730, C replaced by T.
Protein change: p.Pro244Ser; replaces proline 244 with serine.
Molecular consequence: missense variant.
Genome position (GRCh38, 1-based): chr1:77,926,758, C>T. VCF-style: chr1-77926758-C-T. GRCh37 (hg19) VCF-style: chr1-78392443-C-T.
Other names: c.538C>T, p.Pro180Ser (NM_001172309.2); short protein forms P180S, P244S.
Identifiers: ClinVar variation 2079125 (VCV002079125.3), dbSNP rs1054602820, ClinGen allele CA24678718.
Genomic context (GRCh38, chr1:77,926,758, plus strand): 5'-TTCATAACGTTTTCTTAGGATGATGAAATAGAAAGTGAAGCAAAAAAAGAATCACTTTCT[C>T]CCGGAAAATTGAAACTAACTTTTGAAGAACTGGAGCGACAAAGACAAGAAAACCGAAAGA-3'
Protein context (NP_653174.3, residues 234-254): ESEAKKESLS[Pro244Ser]GKLKLTFEEL